The following is an entry in ClinVar:

ClinVar aggregate classification (germline): Uncertain significance (1 of 4 stars; one submission).

Conditions:
ARHGAP32-related disorder. Also called: ARHGAP32-related condition.

gnomAD v4.1: 1 of 1,614,030 alleles (0.000062%); highest among the groups gnomAD compares: Non-Finnish European, 0.000085%; no homozygotes.

Submission:

PreventionGenetics, part of Exact Sciences
Classification: Uncertain significance for ARHGAP32-related condition. Last evaluated: 2026-06-29. Review status: criteria provided, single submitter. Criteria: ACMG Guidelines, 2015. Collection method: clinical testing. Allele origin: germline.
Comment: The ARHGAP32 c.4244C>G variant is predicted to result in the amino acid substitution p.Pro1415Arg. To our knowledge, this variant has not been reported in the literature or in a large population database, indicating this variant is rare. At this time, the clinical significance of this variant is uncertain due to the absence of conclusive functional and genetic evidence.

NM_001378024.1(ARHGAP32):c.4286C>G (p.Pro1429Arg)

Gene: ARHGAP32 (Rho GTPase activating protein 32; minus strand). Cytogenetic location: 11q24.3.
Variant type: single nucleotide variant.
Coding change: c.4286C>G on transcript NM_001378024.1 (MANE Select); coding-DNA position 4286, C replaced by G.
Protein change: p.Pro1429Arg; replaces proline 1429 with arginine.
Molecular consequence: missense variant.
Genome position (GRCh38, 1-based): chr11:128,970,927, G>C on the plus strand (C>G on the coding strand, the complement: ARHGAP32 is on the minus strand). VCF-style: chr11-128970927-G-C. GRCh37 (hg19) VCF-style: chr11-128840822-G-C.
Other names: c.4244C>G, p.Pro1415Arg (NM_001142685.2); c.4124C>G, p.Pro1375Arg (NM_001378025.1); c.3197C>G, p.Pro1066Arg (NM_014715.4); short protein forms P1066R, P1375R, P1415R, P1429R.
Identifiers: ClinVar variation 3348685 (VCV003348685.2).
Genomic context (GRCh38, chr11:128,970,927, plus strand): 5'-GTGGCATCTGCACTGCTGGAGTGTATGGCAGCAATCATCTTACTCTCCATCATCCTGGTG[G>C]GGGGCAGTGGTGCAGGAAAGCCACAGGGATGCGCAGGGACAGACTCGGCGCGCAGGTGCA-3'
Protein context (NP_001364953.1, residues 1419-1439): HPCGFPAPLP[Pro1429Arg]TRMMESKMIA